The following is an entry in ClinVar:

ClinVar aggregate classification (germline): Uncertain significance (1 of 4 stars; one submission).

Allele frequency attached by ClinVar (database versions not stated): TOPMed below 0.00001.

Submission:

Labcorp Genetics (formerly Invitae), Labcorp
Classification: Uncertain significance. Last evaluated: 2022-06-13. Review status: criteria provided, single submitter. Criteria: Invitae Variant Classification Sherloc (09022015). Collection method: clinical testing. Allele origin: germline.
Comment: This variant has not been reported in the literature in individuals affected with PRDM13-related conditions. This variant is not present in population databases (gnomAD no frequency). This sequence change replaces proline, which is neutral and non-polar, with serine, which is neutral and polar, at codon 460 of the PRDM13 protein (p.Pro460Ser). Algorithms developed to predict the effect of missense changes on protein structure and function (SIFT, PolyPhen-2, Align-GVGD) all suggest that this variant is likely to be disruptive. In summary, the available evidence is currently insufficient to determine the role of this variant in disease. Therefore, it has been classified as a Variant of Uncertain Significance.

NM_021620.4(PRDM13):c.1378C>T (p.Pro460Ser)

Gene: PRDM13 (PR/SET domain 13; plus strand). Cytogenetic location: 6q16.2.
Variant type: single nucleotide variant.
Coding change: c.1378C>T on transcript NM_021620.4 (MANE Select); coding-DNA position 1378, C replaced by T.
Protein change: p.Pro460Ser; replaces proline 460 with serine.
Molecular consequence: missense variant.
Genome position (GRCh38, 1-based): chr6:99,614,013, C>T. VCF-style: chr6-99614013-C-T. GRCh37 (hg19) VCF-style: chr6-100061889-C-T.
Other names: short protein forms P460S.
Identifiers: ClinVar variation 2005357 (VCV002005357.4), dbSNP rs866789069, ClinGen allele CA143975811.